The following is an entry in ClinVar:

ClinVar aggregate classification (germline): Likely benign (0 of 4 stars; one submission).

Conditions:
SH2B1-related disorder. Also called: SH2B1-related condition.

gnomAD v4.1: 1 of 1,498,390 alleles (0.000067%); highest among the groups gnomAD compares: African/African-American, 0.0014%; no homozygotes.

Submission:

PreventionGenetics, part of Exact Sciences
Classification: Likely benign for SH2B1-related condition. Last evaluated: 2022-02-25. Review status: no assertion criteria provided. Collection method: clinical testing. Allele origin: germline.
Comment: This variant is classified as likely benign based on ACMG/AMP sequence variant interpretation guidelines (Richards et al. 2015 PMID: 25741868, with internal and published modifications).

NM_001387430.1(SH2B1):c.2169G>C (p.Ala723=)

Gene: SH2B1 (SH2B adaptor protein 1; plus strand). Cytogenetic location: 16p11.2.
Variant type: single nucleotide variant.
Coding change: c.2169G>C on transcript NM_001387430.1 (MANE Select); coding-DNA position 2169, G replaced by C.
Protein change: p.Ala723=; no amino-acid change (alanine 723 retained).
Molecular consequence: synonymous variant. On other transcripts: 3 prime UTR variant (5).
Genome position (GRCh38, 1-based): chr16:28,873,718, G>C. VCF-style: chr16-28873718-G-C. GRCh37 (hg19) VCF-style: chr16-28885039-G-C.
Other names: c.2169G>C, p.Ala723= (NM_001145795.2, NM_001308293.2, NM_001387404.1); c.*253G>C (NM_001145796.2, NM_001145812.2, NM_001308294.2 and 1 more transcripts); c.*270G>C (NM_001145797.2).
Identifiers: ClinVar variation 3354781 (VCV003354781.1).
Genomic context (GRCh38, chr16:28,873,718, plus strand): 5'-ATTGGAAGAGGCCATAGCCCCAGGCTCAGAGGCCCAGGGCGCTGGGTCTGGTGGGGACGC[G>C]GGGGTGCCCCCAATGGTGCAGCTGCAGCAGTCACCACTAGGGGGTGATGGAGAGGAAGGG-3'
Protein context (NP_001374359.1, residues 713-733): EAQGAGSGGD[Ala723=]GVPPMVQLQQ